The following is an entry in ClinVar:

NM_001003800.2(BICD2):c.1063A>T (p.Met355Leu)

Gene: BICD2 (BICD cargo adaptor 2; minus strand). Cytogenetic location: 9q22.31.
Variant type: single nucleotide variant.
Coding change: c.1063A>T on transcript NM_001003800.2 (MANE Select); coding-DNA position 1063, A replaced by T.
Protein change: p.Met355Leu; replaces methionine 355 with leucine.
Molecular consequence: missense variant.
Genome position (GRCh38, 1-based): chr9:92,719,582, T>A on the plus strand (A>T on the coding strand, the complement: BICD2 is on the minus strand). VCF-style: chr9-92719582-T-A. GRCh37 (hg19) VCF-style: chr9-95481864-T-A.
Other names: c.1063A>T, p.Met355Leu (NM_015250.4); short protein forms M355L.
Identifiers: ClinVar variation 639270 (VCV000639270.21), dbSNP rs767226677, ClinGen allele CA196341278.
Genomic context (GRCh38, chr9:92,719,582, plus strand): 5'-GCTCCAGCTGCTTCTGTGTGTCCTGCAGCGTTGCCAGCAGGCCCGCCTTTTCCCGCTCCA[T>A]CTGCAAAGGCACAGGCAGCAGGACACCATGTCAGTTGCTATGGACCCCGAGAGCTTGGAG-3'
Protein context (NP_001003800.1, residues 345-365): IQKLKQQLMQ[Met355Leu]EREKAGLLAT

ClinVar aggregate classification (germline): Uncertain significance. Review status: criteria provided, multiple submitters, no conflicts (2 of 4 stars). 3 submissions from 3 submitters: Uncertain significance (3). Last evaluated 2025-02-12.

Conditions:
Autosomal dominant childhood-onset proximal spinal muscular atrophy with contractures (SMALED2A). Also called: SPINAL MUSCULAR ATROPHY, LOWER EXTREMITY-PREDOMINANT, 2A, CHILDHOOD ONSET, AUTOSOMAL DOMINANT; Spinal muscular atrophy, lower extremity-predominant, 2A, autosomal dominant. Identifiers: Orphanet 363447, Orphanet 363454, MedGen C4747715, MONDO:0014121, OMIM 615290.

Submissions (3):

Labcorp Genetics (formerly Invitae), Labcorp
Classification: Uncertain significance for Autosomal dominant childhood-onset proximal spinal muscular atrophy with contractures. Last evaluated: 2025-02-12. Review status: criteria provided, single submitter. Criteria: Invitae Variant Classification Sherloc (09022015). Collection method: clinical testing. Allele origin: germline.
Comment: This sequence change replaces methionine, which is neutral and non-polar, with leucine, which is neutral and non-polar, at codon 355 of the BICD2 protein (p.Met355Leu). This variant is not present in population databases (gnomAD no frequency). This variant has not been reported in the literature in individuals affected with BICD2-related conditions. ClinVar contains an entry for this variant (Variation ID: 639270). An algorithm developed to predict the effect of missense changes on protein structure and function (PolyPhen-2) suggests that this variant is likely to be tolerated. In summary, the available evidence is currently insufficient to determine the role of this variant in disease. Therefore, it has been classified as a Variant of Uncertain Significance.

Revvity Omics, Revvity
Classification: Uncertain significance. Last evaluated: 2021-08-27. Review status: criteria provided, single submitter. Criteria: ACMG Guidelines, 2015. Collection method: clinical testing. Allele origin: germline.

ARUP Laboratories, Molecular Genetics and Genomics, ARUP Laboratories
Classification: Uncertain significance. Last evaluated: 2020-01-16. Review status: criteria provided, single submitter. Criteria: ARUP Molecular Germline Variant Investigation Process. Collection method: clinical testing. Allele origin: germline.
Comment: The BICD2 c.1063A>T; p.Met355Leu variant (rs767226677), to our knowledge, is not reported in the medical literature but is reported in ClinVar (Variation ID: 639270). This variant is absent from general population databases (Exome Variant Server, Genome Aggregation Database), indicating it is not a common polymorphism. The methionine at codon 355 is moderately conserved, and computational analyses (SIFT, PolyPhen-2) predict that this variant is tolerated. Due to limited information, the clinical significance of this variant is uncertain at this time.